The following is an entry in ClinVar:

NM_000535.7(PMS2):c.1744G>A (p.Glu582Lys)

Gene: PMS2 (PMS1 homolog 2, mismatch repair system component; minus strand). Cytogenetic location: 7p22.1.
Variant type: single nucleotide variant.
Coding change: c.1744G>A on transcript NM_000535.7 (MANE Select); coding-DNA position 1744, G replaced by A.
Protein change: p.Glu582Lys; replaces glutamic acid 582 with lysine.
Molecular consequence: missense variant. On other transcripts: non-coding transcript variant (1).
Genome position (GRCh38, 1-based): chr7:5,987,021, C>T on the plus strand (G>A on the coding strand, the complement: PMS2 is on the minus strand). VCF-style: chr7-5987021-C-T. GRCh37 (hg19) VCF-style: chr7-6026652-C-T.
Other names: c.1339G>A, p.Glu447Lys (NM_001322003.2, NM_001322004.2, NM_001322005.2 and 1 more transcripts); c.1588G>A, p.Glu530Lys (NM_001322006.2); c.1426G>A, p.Glu476Lys (NM_001322007.2, NM_001322008.2); c.1183G>A, p.Glu395Lys (NM_001322010.2); c.811G>A, p.Glu271Lys (NM_001322011.2, NM_001322012.2); c.1171G>A, p.Glu391Lys (NM_001322013.2); c.1744G>A, p.Glu582Lys (NM_001322014.2); c.1435G>A, p.Glu479Lys (NM_001322015.2); short protein forms E271K, E391K, E395K, E447K, E476K, E479K, E530K, E582K.
Identifiers: ClinVar variation 1018471 (VCV001018471.8), dbSNP rs63750739, ClinGen allele CA153227726.

ClinVar aggregate classification (germline): Uncertain significance (1 of 4 stars; one submission).

Conditions:
Hereditary nonpolyposis colorectal neoplasms. Identifiers: MedGen C0009405, MeSH D003123.

Submission:

Labcorp Genetics (formerly Invitae), Labcorp
Classification: Uncertain significance for Hereditary nonpolyposis colorectal neoplasms. Last evaluated: 2018-04-19. Review status: criteria provided, single submitter. Criteria: Invitae Variant Classification Sherloc (09022015). Collection method: clinical testing. Allele origin: germline.
Comment: This sequence change replaces glutamic acid with lysine at codon 582 of the PMS2 protein (p.Glu582Lys). The glutamic acid residue is moderately conserved and there is a small physicochemical difference between glutamic acid and lysine. This variant is not present in population databases (ExAC no frequency). This variant has not been reported in the literature in individuals with PMS2-related disease. Algorithms developed to predict the effect of missense changes on protein structure and function do not agree on the potential impact of this missense change (SIFT: "Deleterious"; PolyPhen-2: "Possibly Damaging"; Align-GVGD: "Class C0"). In summary, the available evidence is currently insufficient to determine the role of this variant in disease. Therefore, it has been classified as a Variant of Uncertain Significance.